The following is an entry in ClinVar:

NM_203447.4(DOCK8):c.3841-1G>T

Gene: DOCK8 (dedicator of cytokinesis 8; plus strand). Cytogenetic location: 9p24.3.
Variant type: single nucleotide variant.
Coding change: c.3841-1G>T on transcript NM_203447.4 (MANE Select); the canonical splice acceptor site of the intron before coding-DNA position 3841, G replaced by T.
Molecular consequence: splice acceptor variant.
Genome position (GRCh38, 1-based): chr9:420,400, G>T. VCF-style: chr9-420400-G-T. GRCh37 (hg19) VCF-style: chr9-420400-G-T.
Other names: c.3637-1G>T (NM_001193536.2); c.3541-1G>T (NM_001190458.2).
Identifiers: ClinVar variation 1066408 (VCV001066408.7), dbSNP rs1486452597, ClinGen allele CA372763452.
Genomic context (GRCh38, chr9:420,400, plus strand): 5'-CAAATTTTTCTGTTGCTTGACTTCTTCCCTGGCCTCCATCCCCCAATCTGCCTCCCTTCA[G>T]CCCTATAAGCAGTACAACATGCTGAACGCGGACACTACTCGCAACCTCATGATCTGCTTC-3'

ClinVar aggregate classification (germline): Likely pathogenic (1 of 4 stars; one submission).

Conditions:
Combined immunodeficiency due to DOCK8 deficiency (HIES2). Also called: HIES autosomal recessive; HYPER-IgE RECURRENT INFECTION SYNDROME 2, AUTOSOMAL RECESSIVE; HYPER-IgE SYNDROME 2, AUTOSOMAL RECESSIVE, WITH RECURRENT INFECTIONS; DOCK8 Deficiency; Hyper-IgE recurrent infection syndrome, autosomal recessive. Identifiers: Orphanet 217390, MedGen C4722305, MONDO:0009478, OMIM 243700.

Submission:

Labcorp Genetics (formerly Invitae), Labcorp
Classification: Likely pathogenic for Combined immunodeficiency due to DOCK8 deficiency. Last evaluated: 2020-08-26. Review status: criteria provided, single submitter. Criteria: Invitae Variant Classification Sherloc (09022015). Collection method: clinical testing. Allele origin: germline.
Comment: This sequence change affects an acceptor splice site in intron 30 of the DOCK8 gene. It is expected to disrupt RNA splicing and likely results in an absent or disrupted protein product. This variant is not present in population databases (ExAC no frequency). This variant has not been reported in the literature in individuals with DOCK8-related conditions. Algorithms developed to predict the effect of sequence changes on RNA splicing suggest that this variant may disrupt the consensus splice site, but this prediction has not been confirmed by published transcriptional studies. Donor and acceptor splice site variants typically lead to a loss of protein function (PMID: 16199547), and loss-of-function variants in DOCK8 are known to be pathogenic (PMID: 14722525, 19776401). In summary, the currently available evidence indicates that the variant is pathogenic, but additional data are needed to prove that conclusively. Therefore, this variant has been classified as Likely Pathogenic.

Literature cited by the submitters: PubMed 16199547; PubMed 14722525; PubMed 19776401.